The following is an entry in ClinVar:

ClinVar aggregate classification (germline): Uncertain significance (1 of 4 stars; one submission).

Submission:

Laboratory for Molecular Medicine, Mass General Brigham Personalized Medicine
Classification: Uncertain significance. Last evaluated: 2016-02-19. Review status: criteria provided, single submitter. Criteria: LMM Criteria. Collection method: clinical testing. Allele origin: germline. Observed: 1 variant allele.
Comment: The p.Gln557Glu variant in MYLK2 has not been previously reported in individuals with cardiomyopathy and is absent from large population studies. Computational prediction tools and conservation analysis do not provide strong support for or against an impact to the protein. In summary, the clinical significance of the p.Gln557Glu variant is uncertain.

NM_033118.4(MYLK2):c.1669C>G (p.Gln557Glu)

Gene: MYLK2 (myosin light chain kinase 2; plus strand). Cytogenetic location: 20q11.21.
Variant type: single nucleotide variant.
Coding change: c.1669C>G on transcript NM_033118.4 (MANE Select); coding-DNA position 1669, C replaced by G.
Protein change: p.Gln557Glu; replaces glutamine 557 with glutamic acid.
Molecular consequence: missense variant.
Genome position (GRCh38, 1-based): chr20:31,832,095, C>G. VCF-style: chr20-31832095-C-G. GRCh37 (hg19) VCF-style: chr20-30419898-C-G.
Other names: short protein forms Q557E.
Identifiers: ClinVar variation 228938 (VCV000228938.4), dbSNP rs763971356, ClinGen allele CA10577120.